The following is an entry in ClinVar:

NM_006269.2(RP1):c.2002G>C (p.Val668Leu)

Gene: RP1 (RP1 axonemal microtubule associated; plus strand). Cytogenetic location: 8q12.1.
Variant type: single nucleotide variant.
Coding change: c.2002G>C on transcript NM_006269.2 (MANE Select); coding-DNA position 2002, G replaced by C.
Protein change: p.Val668Leu; replaces valine 668 with leucine.
Molecular consequence: missense variant. On other transcripts: intron variant (1).
Genome position (GRCh38, 1-based): chr8:54,625,884, G>C. VCF-style: chr8-54625884-G-C. GRCh37 (hg19) VCF-style: chr8-55538444-G-C.
Other names: c.787+3596G>C (NM_001375654.1); short protein forms V668L.
Identifiers: ClinVar variation 1063494 (VCV001063494.9), dbSNP rs1806029936, ClinGen allele CA370992516.

ClinVar aggregate classification (germline): Uncertain significance (1 of 4 stars; one submission).

Allele frequency attached by ClinVar (database versions not stated): gnomAD exomes 0.00001.
gnomAD v4.1: 12 of 1,613,806 alleles (0.00074%); highest among the groups gnomAD compares: South Asian, 0.0011%; no homozygotes.

Submission:

Labcorp Genetics (formerly Invitae), Labcorp
Classification: Uncertain significance. Last evaluated: 2026-01-11. Review status: criteria provided, single submitter. Criteria: Invitae Variant Classification Sherloc (09022015). Collection method: clinical testing. Allele origin: germline.
Comment: This sequence change replaces valine, which is neutral and non-polar, with leucine, which is neutral and non-polar, at codon 668 of the RP1 protein (p.Val668Leu). This variant is not present in population databases (gnomAD no frequency). This missense change has been observed in individual(s) with clinical features of RP1-related conditions (internal data). ClinVar contains an entry for this variant (Variation ID: 1063494). An algorithm developed to predict the effect of missense changes on protein structure and function outputs the following: PolyPhen-2: "Benign". The leucine amino acid residue is found in multiple mammalian species, which suggests that this missense change does not adversely affect protein function. In summary, the available evidence is currently insufficient to determine the role of this variant in disease. Therefore, it has been classified as a Variant of Uncertain Significance.